The following is an entry in ClinVar:

NM_001282597.3(CTNNA2):c.*3C>T

Gene: CTNNA2 (catenin alpha 2; plus strand). Cytogenetic location: 2p12.
Variant type: single nucleotide variant.
Coding change: c.*3C>T on transcript NM_001282597.3 (MANE Select); 3 bases downstream of the stop codon, C replaced by T.
Molecular consequence: 3 prime UTR variant.
Genome position (GRCh38, 1-based): chr2:80,647,875, C>T. VCF-style: chr2-80647875-C-T. GRCh37 (hg19) VCF-style: chr2-80875000-C-T.
Other names: c.*3C>T (NM_001164883.2, NM_001282598.2, NM_001282599.2 and 4 more transcripts).
Identifiers: ClinVar variation 3046240 (VCV003046240.2), dbSNP rs189634424, ClinGen allele CA1735961.

ClinVar aggregate classification (germline): Likely benign (0 of 4 stars; one submission).

Conditions:
CTNNA2-related disorder. Also called: CTNNA2-related condition.

Allele frequency attached by ClinVar (database versions not stated): ESP Exome Variant Server 0.00034; ExAC 0.00053; gnomAD 0.00067; TOPMed 0.00069; 1000 Genomes Project 30x 0.00141; 1000 Genomes Project 0.00180.
gnomAD v4.1: 615 of 1,564,866 alleles (0.039%); highest among the groups gnomAD compares: Middle Eastern, 0.33%; 1 homozygote.

Submission:

PreventionGenetics, part of Exact Sciences
Classification: Likely benign for CTNNA2-related condition. Last evaluated: 2019-12-30. Review status: no assertion criteria provided. Collection method: clinical testing. Allele origin: germline.
Comment: This variant is classified as likely benign based on ACMG/AMP sequence variant interpretation guidelines (Richards et al. 2015 PMID: 25741868, with internal and published modifications).